The following is an entry in ClinVar:

ClinVar aggregate classification (germline): Uncertain significance (1 of 4 stars; one submission).

Allele frequency attached by ClinVar (database versions not stated): gnomAD exomes 0.00001 and 0.00002; ExAC 0.00002; gnomAD 0.00004; TOPMed 0.00005.
gnomAD v4.1: 27 of 1,611,428 alleles (0.0017%); highest among the groups gnomAD compares: South Asian, 0.0044%; no homozygotes.

Submission:

Labcorp Genetics (formerly Invitae), Labcorp
Classification: Uncertain significance. Last evaluated: 2022-03-22. Review status: criteria provided, single submitter. Criteria: Invitae Variant Classification Sherloc (09022015). Collection method: clinical testing. Allele origin: germline.
Comment: This variant has not been reported in the literature in individuals affected with A2ML1-related conditions. The frequency data for this variant in the population databases is considered unreliable, as metrics indicate poor data quality at this position in the gnomAD database. This sequence change creates a premature translational stop signal (p.Arg1029*) in the A2ML1 gene. It is expected to result in an absent or disrupted protein product. However, the current clinical and genetic evidence is not sufficient to establish whether loss-of-function variants in A2ML1 cause disease. Algorithms developed to predict the effect of sequence changes on RNA splicing suggest that this variant may create or strengthen a splice site. In summary, the available evidence is currently insufficient to determine the role of this variant in disease. Therefore, it has been classified as a Variant of Uncertain Significance.

NM_144670.6(A2ML1):c.3085C>T (p.Arg1029Ter)

Gene: A2ML1 (alpha-2-macroglobulin like 1; plus strand). Cytogenetic location: 12p13.31.
Variant type: single nucleotide variant.
Coding change: c.3085C>T on transcript NM_144670.6 (MANE Select); coding-DNA position 3085, C replaced by T.
Protein change: p.Arg1029Ter; replaces arginine 1029 with a stop codon.
Molecular consequence: nonsense.
Genome position (GRCh38, 1-based): chr12:8,857,566, C>T. VCF-style: chr12-8857566-C-T. GRCh37 (hg19) VCF-style: chr12-9010162-C-T.
Other names: c.1612C>T, p.Arg538Ter (NM_001282424.3); short protein forms R538*, R1029*.
Identifiers: ClinVar variation 1461972 (VCV001461972.6), dbSNP rs546427345, ClinGen allele CA6436246.